The following is an entry in ClinVar:

NM_004667.6(HERC2):c.2797_2798del (p.Leu933fs)

Gene: HERC2 (HECT and RLD domain containing E3 ubiquitin protein ligase 2; minus strand). Cytogenetic location: 15q13.1.
Variant type: Deletion.
Coding change: c.2797_2798del on transcript NM_004667.6 (MANE Select); coding-DNA positions 2797 to 2798, 2 bases deleted (CT; older notation c.2797_2798delCT).
Protein change: p.Leu933fs; shifts the reading frame from leucine 933.
Molecular consequence: frameshift variant.
Genome position (GRCh38, 1-based): chr15:28,255,945-28,255,946, AG deleted on the plus strand (CT on the coding strand, the reverse complement: HERC2 is on the minus strand); deleting any 2 consecutive bases within chr15:28,255,945-28,255,947 gives the same sequence; the c. name uses the placement nearest the transcript's 3' end. VCF-style (leftmost placement, unchanged base first): chr15-28255944-AAG-A. GRCh37 (hg19) VCF-style: chr15-28501090-AAG-A.
Other names: short protein forms L933fs.
Identifiers: ClinVar variation 2039450 (VCV002039450.4), dbSNP rs777452432, ClinGen allele CA7443079.

ClinVar aggregate classification (germline): Pathogenic (1 of 4 stars; one submission).

Submission:

Labcorp Genetics (formerly Invitae), Labcorp
Classification: Pathogenic. Last evaluated: 2023-07-12. Review status: criteria provided, single submitter. Criteria: Invitae Variant Classification Sherloc (09022015). Collection method: clinical testing. Allele origin: germline.
Comment: The frequency data for this variant in the population databases is considered unreliable, as metrics indicate poor data quality at this position in the gnomAD database. This sequence change creates a premature translational stop signal (p.Leu933Serfs*8) in the HERC2 gene. It is expected to result in an absent or disrupted protein product. Loss-of-function variants in HERC2 are known to be pathogenic (PMID: 31623504, 32571899). This variant has not been reported in the literature in individuals affected with HERC2-related conditions. For these reasons, this variant has been classified as Pathogenic.

Literature cited by the submitters: PubMed 31623504; PubMed 32571899.